The following is an entry in ClinVar:

ClinVar aggregate classification (germline): Conflicting classifications of pathogenicity. Review status: criteria provided, conflicting classifications (1 of 4 stars). 14 submissions from 14 submitters: Uncertain significance (7); Likely benign (4). 3 of the submissions do not count toward it. Last evaluated 2026-01-11.

Conditions:
Hereditary cancer-predisposing syndrome. Also called: Hereditary Cancer Syndrome; Tumor predisposition; Neoplastic Syndromes, Hereditary; Hereditary neoplastic syndrome. Identifiers: Orphanet 140162, MedGen C0027672, MeSH D009386, MONDO:0015356.
Breast-ovarian cancer, familial, susceptibility to, 2 (BROVCA2). Also called: BRCA2 Hereditary Breast and Ovarian Cancer. Identifiers: Orphanet 145, MedGen C2675520, MONDO:0012933, OMIM 612555. Disease mechanism: loss of function.
Familial cancer of breast. Also called: BREAST CANCER, FAMILIAL; hereditary breast carcinoma; Hereditary breast cancer. Identifiers: Orphanet 227535, MedGen C0346153, MONDO:0016419, OMIM 114480. Disease mechanism: loss of function.
Hereditary breast ovarian cancer syndrome. Also called: Breast and ovarian cancer; BRCA1- and BRCA2-Associated Hereditary Breast and Ovarian Cancer; Hereditary breast and ovarian cancer; Hereditary breast and ovarian cancer syndrome (HBOC); Hereditary breast and ovarian cancer syndrome; Hereditary breast and/or ovarian cancer syndrome. Identifiers: Orphanet 145, MedGen C0677776, MeSH D061325, MONDO:0003582. Disease mechanism: loss of function.

Allele frequency attached by ClinVar (database versions not stated): gnomAD exomes below 0.00001; gnomAD 0.00001; TOPMed 0.00001.
gnomAD v4.1: 9 of 1,589,182 alleles (0.00057%); highest among the groups gnomAD compares: Middle Eastern, 0.017%; no homozygotes.

Submissions (14):

Labcorp Genetics (formerly Invitae), Labcorp
Classification: Uncertain significance for Hereditary breast ovarian cancer syndrome. Last evaluated: 2026-01-11. Review status: criteria provided, single submitter. Criteria: Invitae Variant Classification Sherloc (09022015). Collection method: clinical testing. Allele origin: germline.
Comment: This sequence change replaces histidine, which is basic and polar, with arginine, which is basic and polar, at codon 1101 of the BRCA2 protein (p.His1101Arg). This variant is present in population databases (rs398122761, gnomAD 0.001%). This missense change has been observed in individual(s) with breast cancer, male breast cancer, ovarian cancer, and/or pancreatic cancer (PMID: 21520333, 27882536, 28767289, 30613976, 32659497, 34326862). ClinVar contains an entry for this variant (Variation ID: 91796). Invitae Evidence Modeling of protein sequence and biophysical properties (such as structural, functional, and spatial information, amino acid conservation, physicochemical variation, residue mobility, and thermodynamic stability) indicates that this missense variant is not expected to disrupt BRCA2 protein function with a negative predictive value of 95%. RNA analysis performed to evaluate the impact of this missense change on mRNA splicing indicates it does not significantly alter splicing (internal data). In summary, the available evidence is currently insufficient to determine the role of this variant in disease. Therefore, it has been classified as a Variant of Uncertain Significance.

Center for Genomic Medicine, Rigshospitalet, Copenhagen University Hospital
Classification: Likely benign. Last evaluated: 2025-12-29. Review status: criteria provided, single submitter. Criteria: ACMG Guidelines, 2015. Collection method: clinical testing. Allele origin: germline.
Comment: Classification criteria: BP1_strong

CeGaT Center for Human Genetics Tuebingen
Classification: Uncertain significance. Last evaluated: 2025-05-01. Review status: criteria provided, single submitter. Criteria: CeGaT Center For Human Genetics Tuebingen Variant Classification Criteria Version 2. Collection method: clinical testing. Allele origin: germline. Affected: yes. Observed: 2 variant alleles.

Quest Diagnostics Nichols Institute San Juan Capistrano
Classification: Uncertain significance. Last evaluated: 2024-04-13. Review status: criteria provided, single submitter. Criteria: Quest Diagnostics criteria. Collection method: clinical testing. Allele origin: unknown.
Comment: The BRCA2 c.3302A>G (p.His1101Arg) variant has been reported in the published literature in individuals with pancreatic cancer (PMID: 32659497 (2020), 28767289 (2017)), ovarian cancer (PMID: 34326862 (2021)), male breast cancer (PMID: 30613976 (2019)), and breast cancer (PMID: 33471991 (2021), see also LOVD). This variant has also been identified in reportedly healthy individuals (PMID: 33471991 (2021), see also LOVD). Additionally, this variant has been reported to be located in a region of the BRCA2 gene that is tolerant to missense sequence changes (PMID: 31911673 (2020)). The frequency of this variant in the general population, 0.0000043 (1/230156 chromosomes (Genome Aggregation Database)), is uninformative in the assessment of its pathogenicity. Analysis of this variant using bioinformatics tools for the prediction of the effect of amino acid changes on protein structure and function yielded predictions that this variant is benign. Based on the available information, we are unable to determine the clinical significance of this variant.

Department of Pathology and Laboratory Medicine, Sinai Health System
Classification: Uncertain significance for Familial cancer of breast; Breast-ovarian cancer, familial, susceptibility to, 2. Last evaluated: 2023-10-24. Review status: criteria provided, single submitter. Criteria: ACMG Guidelines, 2015. Collection method: clinical testing. Allele origin: germline. Affected: yes.

ARUP Laboratories, Molecular Genetics and Genomics, ARUP Laboratories
Classification: Uncertain significance. Last evaluated: 2023-05-24. Review status: criteria provided, single submitter. Criteria: ARUP Molecular Germline Variant Investigation Process 2024. Collection method: clinical testing. Allele origin: germline.
Comment: The BRCA2 c.3302A>G; p.His1101Arg variant (rs398122761) is reported in the literature in individuals affected with breast, ovarian, and pancreatic cancer (Bahsi 2020, Loizidou 2017, Rizzolo 2019, Shindo 2017). This variant is also reported in ClinVar (Variation ID: 91796). This variant is only observed on one allele in the Genome Aggregation Database, indicating it is not a common polymorphism. Computational analyses are uncertain whether this variant is neutral or deleterious (REVEL: 0.231). Due to limited information, the clinical significance of this variant is uncertain at this time. References: Bahsi T et al. Spectrum of BRCA1/BRCA2 variants in 1419 Turkish breast and ovarian cancer patients: a single center study. Turkish Journal of Biochemistry. 2020;45(1): 83-90. Loizidou MA et al. BRCA1 and BRCA2 mutation testing in Cyprus; a population based study. Clin Genet. 2017 Apr;91(4):611-615. PMID: 27882536. Rizzolo P et al. Insight into genetic susceptibility to male breast cancer by multigene panel testing: Results from a multicenter study in Italy. Int J Cancer. 2019 Jul 15;145(2):390-400. PMID: 30613976. Shindo K et al. Deleterious Germline Mutations in Patients With Apparently Sporadic Pancreatic Adenocarcinoma. J Clin Oncol. 2017 Oct 20;35(30):3382-3390. PMID: 28767289.

GeneDx
Classification: Uncertain significance. Last evaluated: 2023-05-22. Review status: criteria provided, single submitter. Criteria: GeneDx Variant Classification Process June 2021. Collection method: clinical testing. Allele origin: germline. Affected: yes.
Comment: Not observed at significant frequency in large population cohorts (gnomAD); In silico analysis supports that this missense variant has a deleterious effect on protein structure/function; Also known as 3530A>G; This variant is associated with the following publications: (PMID: 25583493, 31422574, 27882536, elebi2022[article], 30613976, 32659497, 29309945, Bahsi2020[case report], 28767289)

University of Washington Department of Laboratory Medicine, University of Washington
Classification: Likely benign for Hereditary cancer-predisposing syndrome. Last evaluated: 2023-03-23. Review status: criteria provided, single submitter. Criteria: Dines et al. (Genet Med. 2020). Collection method: curation. Allele origin: germline.
Comment: Missense variant in a coldspot region where missense variants are very unlikely to be pathogenic (PMID:31911673).

BRCA2 exon 11 coldspot. Reclassification based on statistical prior probability.

Ambry Genetics
Classification: Likely benign for Hereditary cancer-predisposing syndrome. Last evaluated: 2017-12-21. Review status: criteria provided, single submitter. Criteria: Ambry Variant Classification Scheme 2023. Collection method: clinical testing. Allele origin: germline.

Women's Health and Genetics/Laboratory Corporation of America, LabCorp
Classification: Uncertain significance. Last evaluated: 2017-10-09. Review status: criteria provided, single submitter. Criteria: LabCorp Variant Classification Summary - May 2015. Collection method: clinical testing. Allele origin: germline.
Comment: Variant summary: The BRCA2 c.3302A>G (p.His1101Arg) variant involves the alteration of a non-conserved nucleotide. 3/4 in silico tools predict a benign outcome for this variant (SNPsandGO not captured due to low reliability index). However, these predictions have yet to be confirmed by functional studies. This variant was found in 1/225626 control chromosomes at a frequency of 0.00044%, which does not exceed the estimated maximal expected allele frequency of a pathogenic BRCA2 variant (0.075%). The variant was reported in one patient with Br/OC (Loizidou 2017), however no further information was provided on this case (i.e. no exact diagnosis, and co-occurrence or co-segregation data were included), thus limiting independent evaluation of causality. In addition, multiple clinical diagnostic laboratories/reputable databases classified this variant as uncertain significance. Taken together, this variant is classified as VUS.

Color Diagnostics, LLC DBA Color Health
Classification: Likely benign for Hereditary cancer-predisposing syndrome. Last evaluated: 2016-10-31. Review status: criteria provided, single submitter. Criteria: ACMG Guidelines, 2015. Collection method: clinical testing. Allele origin: germline.

BRCAlab, Lund University
Classification: Uncertain significance for Breast-ovarian cancer, familial, susceptibility to, 2. Last evaluated: 2020-03-02. Review status: no assertion criteria provided. Collection method: clinical testing. Allele origin: germline. Affected: yes. Not counted in ClinVar's aggregate classification.

Counsyl
Classification: Uncertain significance for Breast-ovarian cancer, familial, susceptibility to, 2. Last evaluated: 2016-08-31. Review status: no assertion criteria provided. Collection method: clinical testing. Allele origin: unknown. Not counted in ClinVar's aggregate classification.

Sharing Clinical Reports Project (SCRP)
Classification: Uncertain significance for Breast-ovarian cancer, familial 2. Last evaluated: 2012-04-09. Review status: no assertion criteria provided. Collection method: clinical testing. Allele origin: germline. Not counted in ClinVar's aggregate classification.

Literature cited by the submitters: PubMed 21520333 (cited by Labcorp Genetics (formerly Invitae), Labcorp); PubMed 27882536 (cited by 4 submitters); PubMed 28767289 (cited by 3 submitters); PubMed 30613976 (cited by 3 submitters); PubMed 32659497 (cited by Labcorp Genetics (formerly Invitae), Labcorp and Quest Diagnostics Nichols Institute San Juan Capistrano); PubMed 34326862 (cited by Labcorp Genetics (formerly Invitae), Labcorp and Quest Diagnostics Nichols Institute San Juan Capistrano); PubMed 29309945 (cited by Quest Diagnostics Nichols Institute San Juan Capistrano and Department of Pathology and Laboratory Medicine, Sinai Health System); PubMed 33471991 (cited by Quest Diagnostics Nichols Institute San Juan Capistrano); PubMed 31911673 (cited by Quest Diagnostics Nichols Institute San Juan Capistrano); PubMed 25583493 (cited by Quest Diagnostics Nichols Institute San Juan Capistrano and Women's Health and Genetics/Laboratory Corporation of America, LabCorp).

NM_000059.4(BRCA2):c.3302A>G (p.His1101Arg)

Gene: BRCA2 (BRCA2 DNA repair associated; plus strand). Cytogenetic location: 13q13.1.
Variant type: single nucleotide variant.
Coding change: c.3302A>G on transcript NM_000059.4 (MANE Select); coding-DNA position 3302, A replaced by G.
Protein change: p.His1101Arg; replaces histidine 1101 with arginine.
Molecular consequence: missense variant.
Genome position (GRCh38, 1-based): chr13:32,337,657, A>G. VCF-style: chr13-32337657-A-G. GRCh37 (hg19) VCF-style: chr13-32911794-A-G.
Other names: 3530A>G; short protein forms H1101R.
Identifiers: ClinVar variation 91796 (VCV000091796.44), dbSNP rs398122761, ClinGen allele CA017748.